The following is an entry in ClinVar:

ClinVar aggregate classification (germline): Conflicting classifications of pathogenicity. Review status: criteria provided, conflicting classifications (1 of 4 stars). 4 submissions from 4 submitters: Uncertain significance (2); Benign (1); Likely benign (1). Last evaluated 2025-07-30.

Conditions:
Adams-Oliver syndrome 5 (AOS5). Identifiers: Orphanet 974, MedGen C4014970, MONDO:0014459, OMIM 616028.
Familial thoracic aortic aneurysm and aortic dissection (TAAD). Also called: Thoracic aortic aneurysms and dissections. Identifiers: Orphanet 91387, MedGen C4707243, MONDO:0019625.

Allele frequency attached by ClinVar (database versions not stated): gnomAD exomes 0.00001; ExAC 0.00002.

Submissions (4):

Ambry Genetics
Classification: Uncertain significance for Familial thoracic aortic aneurysm and aortic dissection. Last evaluated: 2025-07-30. Review status: criteria provided, single submitter. Criteria: Ambry Variant Classification Scheme 2023. Collection method: clinical testing. Allele origin: germline.
Comment: The p.D907N variant (also known as c.2719G>A), located in coding exon 17 of the NOTCH1 gene, results from a G to A substitution at nucleotide position 2719. The aspartic acid at codon 907 is replaced by asparagine, an amino acid with highly similar properties. This amino acid position is conserved. In addition, this alteration is predicted to be tolerated by in silico analysis. Based on the available evidence, the clinical significance of this variant remains unclear.

Labcorp Genetics (formerly Invitae), Labcorp
Classification: Benign for Adams-Oliver syndrome 5. Last evaluated: 2025-07-30. Review status: criteria provided, single submitter. Criteria: Invitae Variant Classification Sherloc (09022015). Collection method: clinical testing. Allele origin: germline.

Blueprint Genetics
Classification: Likely benign. Last evaluated: 2024-01-12. Review status: criteria provided, single submitter. Criteria: ACMG Guidelines, 2015. Collection method: clinical testing. Allele origin: germline.

CeGaT Center for Human Genetics Tuebingen
Classification: Uncertain significance. Last evaluated: 2022-07-01. Review status: criteria provided, single submitter. Criteria: CeGaT Center For Human Genetics Tuebingen Variant Classification Criteria Version 2. Collection method: clinical testing. Allele origin: germline. Affected: yes. Observed: 1 variant allele.
Comment: NOTCH1: PM2:Supporting, PP2, BP4

NM_017617.5(NOTCH1):c.2719G>A (p.Asp907Asn)

Gene: NOTCH1 (notch receptor 1; minus strand). Cytogenetic location: 9q34.3.
Variant type: single nucleotide variant.
Coding change: c.2719G>A on transcript NM_017617.5 (MANE Select); coding-DNA position 2719, G replaced by A.
Protein change: p.Asp907Asn; replaces aspartic acid 907 with asparagine.
Molecular consequence: missense variant.
Genome position (GRCh38, 1-based): chr9:136,510,674, C>T on the plus strand (G>A on the coding strand, the complement: NOTCH1 is on the minus strand). VCF-style: chr9-136510674-C-T. GRCh37 (hg19) VCF-style: chr9-139405126-C-T.
Other names: c.2719G>A (NM_017617.3); short protein forms D907N.
Identifiers: ClinVar variation 1420643 (VCV001420643.33), dbSNP rs757628476, ClinGen allele CA5341195.